The following is an entry in ClinVar:

NM_001199138.2(NLRC4):c.2089T>C (p.Cys697Arg)

Gene: NLRC4 (NLR family CARD domain containing 4; minus strand). Cytogenetic location: 2p22.3.
Variant type: single nucleotide variant.
Coding change: c.2089T>C on transcript NM_001199138.2 (MANE Select); coding-DNA position 2089, T replaced by C.
Protein change: p.Cys697Arg; replaces cysteine 697 with arginine.
Molecular consequence: missense variant. On other transcripts: intron variant (1).
Genome position (GRCh38, 1-based): chr2:32,249,775, A>G on the plus strand (T>C on the coding strand, the complement: NLRC4 is on the minus strand). VCF-style: chr2-32249775-A-G. GRCh37 (hg19) VCF-style: chr2-32474844-A-G.
Other names: c.2089T>C, p.Cys697Arg (NM_001199139.2, NM_021209.5); c.262+2644T>C (NM_001302504.1); short protein forms C697R.
Identifiers: ClinVar variation 4782538 (VCV004782538.1).

ClinVar aggregate classification (germline): Uncertain significance (1 of 4 stars; one submission).

Conditions:
Periodic fever-infantile enterocolitis-autoinflammatory syndrome. Also called: Autoinflammation with infantile enterocolitis. Identifiers: Orphanet 436166, MedGen C4015067, MONDO:0014472, OMIM 616050.
Familial cold autoinflammatory syndrome 4 (FCAS4). Identifiers: Orphanet 47045, Orphanet 576349, MedGen C4015276, MONDO:0014498, OMIM 616115.

gnomAD v4.1: 1 of 1,614,228 alleles (0.000062%); highest among the groups gnomAD compares: Non-Finnish European, 0.000085%; no homozygotes.

Submission:

Labcorp Genetics (formerly Invitae), Labcorp
Classification: Uncertain significance for Periodic fever-infantile enterocolitis-autoinflammatory syndrome; Familial cold autoinflammatory syndrome 4. Last evaluated: 2025-03-27. Review status: criteria provided, single submitter. Criteria: Invitae Variant Classification Sherloc (09022015). Collection method: clinical testing. Allele origin: germline.
Comment: This sequence change replaces cysteine, which is neutral and slightly polar, with arginine, which is basic and polar, at codon 697 of the NLRC4 protein (p.Cys697Arg). This variant is not present in population databases (gnomAD no frequency). This variant has not been reported in the literature in individuals affected with NLRC4-related conditions. Invitae Evidence Modeling of protein sequence and biophysical properties (such as structural, functional, and spatial information, amino acid conservation, physicochemical variation, residue mobility, and thermodynamic stability) indicates that this missense variant is not expected to disrupt NLRC4 protein function with a negative predictive value of 80%. In summary, the available evidence is currently insufficient to determine the role of this variant in disease. Therefore, it has been classified as a Variant of Uncertain Significance.